The following is an entry in ClinVar:

NM_001348800.3(ZBTB20):c.1879A>G (p.Thr627Ala)

Gene: ZBTB20 (zinc finger and BTB domain containing 20; minus strand). Cytogenetic location: 3q13.31.
Variant type: single nucleotide variant.
Coding change: c.1879A>G on transcript NM_001348800.3 (MANE Select); coding-DNA position 1879, A replaced by G.
Protein change: p.Thr627Ala; replaces threonine 627 with alanine.
Molecular consequence: missense variant. On other transcripts: non-coding transcript variant (1).
Genome position (GRCh38, 1-based): chr3:114,339,352, T>C on the plus strand (A>G on the coding strand, the complement: ZBTB20 is on the minus strand). VCF-style: chr3-114339352-T-C. GRCh37 (hg19) VCF-style: chr3-114058199-T-C.
Other names: c.1879A>G, p.Thr627Ala (NM_001164342.2, NM_001348803.3, NM_001393393.1 and 1 more transcripts); c.1660A>G, p.Thr554Ala (NM_001164343.2, NM_001164344.4, NM_001164345.4 and 9 more transcripts); short protein forms T554A, T627A.
Identifiers: ClinVar variation 2883999 (VCV002883999.3), dbSNP rs2550438783, ClinGen allele CA354001291.

ClinVar aggregate classification (germline): Pathogenic (1 of 4 stars; one submission).

Submission:

Labcorp Genetics (formerly Invitae), Labcorp
Classification: Pathogenic. Last evaluated: 2024-10-17. Review status: criteria provided, single submitter. Criteria: Invitae Variant Classification Sherloc (09022015). Collection method: clinical testing. Allele origin: germline.
Comment: This sequence change replaces threonine, which is neutral and polar, with alanine, which is neutral and non-polar, at codon 627 of the ZBTB20 protein (p.Thr627Ala). This variant is not present in population databases (gnomAD no frequency). This missense change has been observed in individual(s) with clinical features of Primrose syndrome (PMID: 30637921, 32473227). In at least one individual the variant was observed to be de novo. Invitae Evidence Modeling of protein sequence and biophysical properties (such as structural, functional, and spatial information, amino acid conservation, physicochemical variation, residue mobility, and thermodynamic stability) has been performed for this missense variant. However, the output from this modeling did not meet the statistical confidence thresholds required to predict the impact of this variant on ZBTB20 protein function. For these reasons, this variant has been classified as Pathogenic.

Literature cited by the submitters: PubMed 30637921; PubMed 32473227.